The following is an entry in ClinVar:

ClinVar aggregate classification (germline): Conflicting classifications of pathogenicity. Review status: criteria provided, conflicting classifications (1 of 4 stars). 4 submissions from 4 submitters: Pathogenic (1); Likely pathogenic (1); Uncertain significance (1). 1 of the submissions does not count toward it. Last evaluated 2025-06-03.

Conditions:
TSC2-related disorder. Also called: TSC2-Related Disorders; TSC2-related condition.
Tuberous sclerosis syndrome (TSC). Also called: Tuberous Sclerosis Complex; Tuberous sclerosis. Identifiers: Orphanet 805, MedGen C0041341, MONDO:0001734.
Tuberous sclerosis 2 (TSC2). Identifiers: Orphanet 805, MedGen C1860707, MONDO:0013199, OMIM 613254.

Submissions (4):

GeneDx
Classification: Pathogenic. Last evaluated: 2025-06-03. Review status: criteria provided, single submitter. Criteria: GeneDx Variant Classification Process June 2021. Collection method: clinical testing. Allele origin: germline. Affected: yes.
Comment: Published functional studies demonstrate a damaging effect with destabilization of the protein (PMID: 21309039); Not observed at significant frequency in large population cohorts (gnomAD); In silico analysis supports that this missense variant has a deleterious effect on protein structure/function; This variant is associated with the following publications: (PMID: 15798777, 21309039, 12136241, 10205261)

Labcorp Genetics (formerly Invitae), Labcorp
Classification: Uncertain significance for Tuberous sclerosis 2. Last evaluated: 2023-05-21. Review status: criteria provided, single submitter. Criteria: Invitae Variant Classification Sherloc (09022015). Collection method: clinical testing. Allele origin: germline.
Comment: In summary, the available evidence is currently insufficient to determine the role of this variant in disease. Therefore, it has been classified as a Variant of Uncertain Significance. This variant disrupts the p.Pro1497 amino acid residue in TSC2. Other variant(s) that disrupt this residue have been determined to be pathogenic (PMID: 10205261, 21309039). This suggests that this residue is clinically significant, and that variants that disrupt this residue are likely to be disease-causing. Experimental studies have shown that this missense change affects TSC2 function (PMID: 21309039). Advanced modeling of protein sequence and biophysical properties (such as structural, functional, and spatial information, amino acid conservation, physicochemical variation, residue mobility, and thermodynamic stability) has been performed at Invitae for this missense variant, however the output from this modeling did not meet the statistical confidence thresholds required to predict the impact of this variant on TSC2 protein function. ClinVar contains an entry for this variant (Variation ID: 65206). This variant has not been reported in the literature in individuals affected with TSC2-related conditions. This variant is not present in population databases (gnomAD no frequency). This sequence change replaces proline, which is neutral and non-polar, with serine, which is neutral and polar, at codon 1497 of the TSC2 protein (p.Pro1497Ser).

Blueprint Genetics
Classification: Likely pathogenic for TSC2-related disorders. Last evaluated: 2022-11-02. Review status: criteria provided, single submitter. Criteria: ACMG Guidelines, 2015. Collection method: clinical testing. Allele origin: germline. Affected: yes. Observed: 1 variant allele.

Tuberous sclerosis database (TSC2)
No classification provided. Condition: TSC. Review status: no classification provided. Criteria: Tuberous Sclerosis Database Assertion Criteria 2015. Collection method: curation. Allele origin: germline. Affected: yes. Not counted in ClinVar's aggregate classification.

Literature cited by the submitters: PubMed 10205261 (cited by Labcorp Genetics (formerly Invitae), Labcorp); PubMed 21309039 (cited by Labcorp Genetics (formerly Invitae), Labcorp).

NM_000548.5(TSC2):c.4489C>T (p.Pro1497Ser)

Gene: TSC2 (TSC complex subunit 2; plus strand). Cytogenetic location: 16p13.3.
Variant type: single nucleotide variant.
Coding change: c.4489C>T on transcript NM_000548.5 (MANE Select); coding-DNA position 4489, C replaced by T.
Protein change: p.Pro1497Ser; replaces proline 1497 with serine.
Molecular consequence: missense variant.
Genome position (GRCh38, 1-based): chr16:2,084,711, C>T. VCF-style: chr16-2084711-C-T. GRCh37 (hg19) VCF-style: chr16-2134712-C-T.
Other names: c.4288C>T, p.Pro1430Ser (NM_001077183.3); c.4420C>T, p.Pro1474Ser (NM_001114382.3); c.4180C>T, p.Pro1394Ser (NM_001318827.2); c.4144C>T, p.Pro1382Ser (NM_001318829.2); c.3757C>T, p.Pro1253Ser (NM_001318831.2); c.4321C>T, p.Pro1441Ser (NM_001318832.2); c.4291C>T, p.Pro1431Ser (NM_001363528.2); c.4357C>T, p.Pro1453Ser (NM_001370404.1); and 1 more; short protein forms P1497S, P1253S, P1453S, P1382S, P1394S, P1430S, P1474S, P1431S.
Identifiers: ClinVar variation 65206 (VCV000065206.11), dbSNP rs45517344, ClinGen allele CA020513.